The following is an entry in ClinVar:

NM_002109.6(HARS1):c.1118A>G (p.Lys373Arg)

Gene: HARS1 (histidyl-tRNA synthetase 1; minus strand). Cytogenetic location: 5q31.3.
Variant type: single nucleotide variant.
Coding change: c.1118A>G on transcript NM_002109.6 (MANE Select); coding-DNA position 1118, A replaced by G.
Protein change: p.Lys373Arg; replaces lysine 373 with arginine.
Molecular consequence: missense variant.
Genome position (GRCh38, 1-based): chr5:140,676,730, T>C on the plus strand (A>G on the coding strand, the complement: HARS1 is on the minus strand). VCF-style: chr5-140676730-T-C. GRCh37 (hg19) VCF-style: chr5-140056315-T-C.
Other names: c.998A>G, p.Lys333Arg (NM_001258040.3); c.1058A>G, p.Lys353Arg (NM_001258041.3); c.938A>G, p.Lys313Arg (NM_001258042.3); c.896A>G, p.Lys299Arg (NM_001289092.2); c.776A>G, p.Lys259Arg (NM_001289093.2); c.1031A>G, p.Lys344Arg (NM_001289094.2); short protein forms K333R, K344R, K259R, K353R, K299R, K313R, K373R.
Identifiers: ClinVar variation 2022687 (VCV002022687.4), dbSNP rs759835894, ClinGen allele CA3443920.
Genomic context (GRCh38, chr5:140,676,730, plus strand): 5'-ACGATGGAGAAAATCCGCTCCACCCCAATGCTGAGCCCCACACATGGCACCTTGCGCCCT[T>C]TGGGGTCGAACATGCCCACTAGCCCATCATAGCGTCCTCCAGCAGCCACACTGCCCACAC-3'
Protein context (NP_002100.2, residues 363-383): YDGLVGMFDP[Lys373Arg]GRKVPCVGLS

ClinVar aggregate classification (germline): Uncertain significance (1 of 4 stars; one submission).

Conditions:
Usher syndrome type 3B. Also called: USHER SYNDROME, TYPE IIIB. Identifiers: MedGen C3281066, MONDO:0013788, OMIM 614504.

Allele frequency attached by ClinVar (database versions not stated): ExAC 0.00001; gnomAD 0.00001; TOPMed 0.00001.
gnomAD v4.1: 1 of 1,614,086 alleles (0.000062%); highest among the groups gnomAD compares: African/African-American, 0.0013%; no homozygotes.

Submission:

Labcorp Genetics (formerly Invitae), Labcorp
Classification: Uncertain significance for Usher syndrome type 3B. Last evaluated: 2022-08-09. Review status: criteria provided, single submitter. Criteria: Invitae Variant Classification Sherloc (09022015). Collection method: clinical testing. Allele origin: germline.
Comment: This sequence change replaces lysine, which is basic and polar, with arginine, which is basic and polar, at codon 373 of the HARS protein (p.Lys373Arg). In summary, the available evidence is currently insufficient to determine the role of this variant in disease. Therefore, it has been classified as a Variant of Uncertain Significance. Algorithms developed to predict the effect of missense changes on protein structure and function (SIFT, PolyPhen-2, Align-GVGD) all suggest that this variant is likely to be tolerated. This variant has not been reported in the literature in individuals affected with HARS-related conditions. This variant is present in population databases (rs759835894, gnomAD 0.007%).